The following is an entry in ClinVar:

NM_000053.4(ATP7B):c.841del (p.Gln281fs)

Gene: ATP7B (ATPase copper transporting beta; minus strand). Cytogenetic location: 13q14.3.
Variant type: Deletion.
Coding change: c.841del on transcript NM_000053.4 (MANE Select); coding-DNA position 841, one base deleted (C; older notation c.841delC).
Protein change: p.Gln281fs; shifts the reading frame from glutamine 281.
Molecular consequence: frameshift variant. On other transcripts: intron variant (2).
Genome position (GRCh38, 1-based): chr13:51,974,379, G deleted on the plus strand (C on the coding strand, the reverse complement: ATP7B is on the minus strand); the first of 2 consecutive G bases (chr13:51,974,379-51,974,380); deleting either gives the same sequence. VCF-style (leftmost placement, unchanged base first): chr13-51974378-TG-T. GRCh37 (hg19) VCF-style: chr13-52548514-TG-T.
Other names: c.745del, p.Gln249fs (NM_001406543.1, NM_001406544.1, NM_001406517.1 and 3 more transcripts); c.841del, p.Gln281fs (NM_001406545.1, NM_001406546.1, NM_001406547.1 and 29 more transcripts); c.802+39del (NM_001243182.2); c.706+39del (NM_001406539.1); c.841del (NM_000053.3); short protein forms Q249fs, Q281fs.
Identifiers: ClinVar variation 2679824 (VCV002679824.6), dbSNP rs1952001328, ClinGen allele CA2091557943.
Genomic context (GRCh38, chr13:51,974,378, plus strand): 5'-TACTTTACTTGGGCAGTTTTGTTCTCCAAGGACACTTGAATACTTTGAACCCCTAGGAGC[TG>T]GCCAATATTTTCTTCAATATTCAAGACGCAAGACTTACAATGCATTCCATCTATTCTCAG-3'

ClinVar aggregate classification (germline): Pathogenic/Likely pathogenic. Review status: criteria provided, multiple submitters, no conflicts (2 of 4 stars). 3 submissions from 3 submitters: Pathogenic (1); Likely pathogenic (2). Last evaluated 2025-02-18.

Conditions:
Wilson disease (WND). Also called: Wilson's disease. Identifiers: Orphanet 905, MedGen C0019202, MONDO:0010200, OMIM 277900. Disease mechanism: loss of function.

Submissions (3):

Natera, Inc.
Classification: Likely pathogenic for Wilson disease. Last evaluated: 2025-02-18. Review status: criteria provided, single submitter. Criteria: Natera Variant Classification Schema (03/2026). Collection method: clinical testing. Allele origin: germline.
Comment: The c.841del variant in ATP7B is a frameshift variant predicted to shift the reading frame beginning at codon 281 and leads to a stop codon 3 codons downstream. This variant is expected to result in nonsense mediated decay, truncation, or a dysfunctional protein product. This variant is rare in the general population with a frequency below the threshold expected for the associated phenotype(s). Given the available evidence, this variant is classified as Likely Pathogenic.

Labcorp Genetics (formerly Invitae), Labcorp
Classification: Pathogenic for Wilson disease. Last evaluated: 2024-01-13. Review status: criteria provided, single submitter. Criteria: Invitae Variant Classification Sherloc (09022015). Collection method: clinical testing. Allele origin: germline.
Comment: This sequence change creates a premature translational stop signal (p.Gln281Serfs*3) in the ATP7B gene. It is expected to result in an absent or disrupted protein product. Loss-of-function variants in ATP7B are known to be pathogenic (PMID: 10441329, 16283883). This variant is not present in population databases (gnomAD no frequency). This variant has not been reported in the literature in individuals affected with ATP7B-related conditions. For these reasons, this variant has been classified as Pathogenic.

Baylor Genetics
Classification: Likely pathogenic for Wilson disease. Last evaluated: 2022-11-21. Review status: criteria provided, single submitter. Criteria: ACMG Guidelines, 2015. Collection method: clinical testing. Allele origin: unknown.

Literature cited by the submitters: PubMed 10441329 (cited by Labcorp Genetics (formerly Invitae), Labcorp); PubMed 16283883 (cited by Labcorp Genetics (formerly Invitae), Labcorp).